The following is an entry in ClinVar:

NM_032242.4(PLXNA1):c.2761G>A (p.Val921Ile)

Gene: PLXNA1 (plexin A1; plus strand). Cytogenetic location: 3q21.3.
Variant type: single nucleotide variant.
Coding change: c.2761G>A on transcript NM_032242.4 (MANE Select); coding-DNA position 2761, G replaced by A.
Protein change: p.Val921Ile; replaces valine 921 with isoleucine.
Molecular consequence: missense variant.
Genome position (GRCh38, 1-based): chr3:127,014,715, G>A. VCF-style: chr3-127014715-G-A. GRCh37 (hg19) VCF-style: chr3-126733558-G-A.
Other names: short protein forms V921I.
Identifiers: ClinVar variation 3307889 (VCV003307889.2).

ClinVar aggregate classification (germline): Uncertain significance. Review status: criteria provided, multiple submitters, no conflicts (2 of 4 stars). 2 submissions from 2 submitters: Uncertain significance (2). Last evaluated 2024-12-11.

Conditions:
PLXNA1-related disorder. Also called: PLXNA1-related condition.

gnomAD v4.1: 17 of 1,611,502 alleles (0.0011%); highest among the groups gnomAD compares: East Asian, 0.0045%; no homozygotes.

Submissions (2):

PreventionGenetics, part of Exact Sciences
Classification: Uncertain significance for PLXNA1-related condition. Last evaluated: 2024-12-11. Review status: criteria provided, single submitter. Criteria: ACMG Guidelines, 2015. Collection method: clinical testing. Allele origin: germline.
Comment: The PLXNA1 c.2761G>A variant is predicted to result in the amino acid substitution p.Val921Ile. To our knowledge, this variant has not been reported in the literature. This variant is reported in 0.011% of alleles in individuals of East Asian descent in gnomAD. At this time, the clinical significance of this variant is uncertain due to the absence of conclusive functional and genetic evidence.

Ambry Genetics
Classification: Uncertain significance. Last evaluated: 2024-06-16. Review status: criteria provided, single submitter. Criteria: Ambry Variant Classification Scheme 2023. Collection method: clinical testing. Allele origin: germline.